The following is an entry in ClinVar:

ClinVar aggregate classification (germline): Uncertain significance (1 of 4 stars; one submission).

Conditions:
Cardiomyopathy (CMYO). Also called: Cardiomyopathies. Identifiers: Orphanet 167848, MedGen C0878544, MONDO:0004994, HP:0001638. Inheritance: Various modes of inheritance.

Allele frequency attached by ClinVar (database versions not stated): ExAC 0.00001; gnomAD exomes below 0.00001.
gnomAD v4.1: 1 of 1,613,986 alleles (0.000062%); highest among the groups gnomAD compares: East Asian, 0.0022%; no homozygotes.

Submission:

Color Diagnostics, LLC DBA Color Health
Classification: Uncertain significance for Cardiomyopathy. Last evaluated: 2024-03-07. Review status: criteria provided, single submitter. Criteria: ACMG Guidelines, 2015. Collection method: clinical testing. Allele origin: germline.
Comment: This missense variant replaces arginine with glycine at codon 284 of the PKP2 protein. Computational prediction tool suggests that this variant may not impact protein structure and function (internally defined REVEL score threshold <=0.5, PMID: 27666373). Splice site prediction tools suggest that this variant may not impact RNA splicing. To our knowledge, functional studies have not been performed for this variant. This variant has not been reported in individuals affected with cardiovascular disorders in the literature. This variant has been identified in 1/251066 chromosomes in the general population by the Genome Aggregation Database (gnomAD). The available evidence is insufficient to determine the role of this variant in disease conclusively. Therefore, this variant is classified as a Variant of Uncertain Significance.

NM_001005242.3(PKP2):c.850A>G (p.Arg284Gly)

Gene: PKP2 (plakophilin 2; minus strand). Cytogenetic location: 12p11.21.
Variant type: single nucleotide variant.
Coding change: c.850A>G on transcript NM_001005242.3 (MANE Select); coding-DNA position 850, A replaced by G.
Protein change: p.Arg284Gly; replaces arginine 284 with glycine.
Molecular consequence: missense variant.
Genome position (GRCh38, 1-based): chr12:32,878,030, T>C on the plus strand (A>G on the coding strand, the complement: PKP2 is on the minus strand). VCF-style: chr12-32878030-T-C. GRCh37 (hg19) VCF-style: chr12-33030964-T-C.
Other names: c.850A>G, p.Arg284Gly (NM_004572.4); short protein forms R284G.
Identifiers: ClinVar variation 924071 (VCV000924071.4), dbSNP rs768451308, ClinGen allele CA039177.